The following is an entry in ClinVar:

NM_000243.3(MEFV):c.1587+5G>A

Gene: MEFV (MEFV innate immunity regulator, pyrin; minus strand). Cytogenetic location: 16p13.3.
Variant type: single nucleotide variant.
Coding change: c.1587+5G>A on transcript NM_000243.3 (MANE Select); 5 bases into the intron after coding-DNA position 1587, G replaced by A.
Molecular consequence: intron variant.
Genome position (GRCh38, 1-based): chr16:3,247,011, C>T on the plus strand (G>A on the coding strand, the complement: MEFV is on the minus strand). VCF-style: chr16-3247011-C-T. GRCh37 (hg19) VCF-style: chr16-3297011-C-T.
Other names: c.954+5G>A (NM_001198536.2).
Identifiers: ClinVar variation 527801 (VCV000527801.6), dbSNP rs1555458661, ClinGen allele CA658798521.
Genomic context (GRCh38, chr16:3,247,011, plus strand): 5'-CTGGGAGCCTGAGGCATCCTGATAGGCACAGGGGACCCAAGAAAGCCGGGCCCAGGCACA[C>T]CCACCTGCAGAAGTTCCCATTCTGACTGGCACTCCTTGGCCTCCAGTTCCCCAATCAGCG-3'

ClinVar aggregate classification (germline): Uncertain significance (1 of 4 stars; one submission).

Conditions:
Familial Mediterranean fever (FMF). Also called: POLYSEROSITIS, FAMILIAL PAROXYSMAL; POLYSEROSITIS, RECURRENT; Periodic peritonitis; Benign paroxysmal peritonitis. Identifiers: Orphanet 342, MedGen C0031069, MONDO:0018088, OMIM 249100. Disease mechanism: gain of function.

Allele frequency attached by ClinVar (database versions not stated): gnomAD exomes below 0.00001.
gnomAD v4.1: 2 of 1,614,092 alleles (0.00012%); highest among the groups gnomAD compares: Non-Finnish European, 0.00017%; no homozygotes.

Submission:

Labcorp Genetics (formerly Invitae), Labcorp
Classification: Uncertain significance for Familial Mediterranean fever. Last evaluated: 2017-10-02. Review status: criteria provided, single submitter. Criteria: Invitae Variant Classification Sherloc (09022015). Collection method: clinical testing. Allele origin: germline.
Comment: This sequence change falls in intron 5 of the MEFV gene. It does not directly change the encoded amino acid sequence of the MEFV protein, but it affects a nucleotide within the consensus splice site of the intron. This variant is not present in population databases (ExAC no frequency). This variant has not been reported in the literature in individuals with MEFV-related disease. Nucleotide substitutions within the consensus splice site are a relatively common cause of aberrant splicing (PMID: 17576681, 9536098). Algorithms developed to predict the effect of sequence changes on RNA splicing suggest that this variant may disrupt the consensus splice site, but this prediction has not been confirmed by published transcriptional studies. In summary, the available evidence is currently insufficient to determine the role of this variant in disease. Therefore, it has been classified as a Variant of Uncertain Significance.

Literature cited by the submitters: PubMed 17576681; PubMed 9536098.